The following is an entry in ClinVar:

NM_020937.4(FANCM):c.1823T>G (p.Ile608Arg)

Gene: FANCM (FA complementation group M; plus strand). Cytogenetic location: 14q21.2.
Variant type: single nucleotide variant.
Coding change: c.1823T>G on transcript NM_020937.4 (MANE Select); coding-DNA position 1823, T replaced by G.
Protein change: p.Ile608Arg; replaces isoleucine 608 with arginine.
Molecular consequence: missense variant.
Genome position (GRCh38, 1-based): chr14:45,166,984, T>G. VCF-style: chr14-45166984-T-G. GRCh37 (hg19) VCF-style: chr14-45636187-T-G.
Other names: c.1745T>G, p.Ile582Arg (NM_001308133.2); c.1823T>G, p.Ile608Arg (NM_001308134.2); short protein forms I582R, I608R.
Identifiers: ClinVar variation 4871114 (VCV004871114.1).

ClinVar aggregate classification (germline): Uncertain significance (1 of 4 stars; one submission).

Conditions:
Inborn genetic diseases. Identifiers: MedGen C0950123, MeSH D030342.

Submission:

Ambry Genetics
Classification: Uncertain significance for Inborn genetic diseases. Last evaluated: 2026-04-28. Review status: criteria provided, single submitter. Criteria: Ambry Variant Classification Scheme 2023. Collection method: clinical testing. Allele origin: germline.
Comment: The p.I608R variant (also known as c.1823T>G), located in coding exon 11 of the FANCM gene, results from a T to G substitution at nucleotide position 1823. The isoleucine at codon 608 is replaced by arginine, an amino acid with similar properties. This amino acid position is conserved. In addition, the in silico prediction for this alteration is inconclusive. Based on the available evidence, the clinical significance of this variant remains unclear.